The following is an entry in ClinVar:

ClinVar aggregate classification (germline): Likely pathogenic (1 of 4 stars; one submission).

Conditions:
Rubinstein-Taybi syndrome due to CREBBP mutations (RSTS1). Also called: RUBINSTEIN-TAYBI SYNDROME 1, INCOMPLETE; BROAD THUMB-HALLUX SYNDROME; Rubinstein-Taybi syndrome 1; BROAD THUMBS AND GREAT TOES, CHARACTERISTIC FACIES, AND IMPAIRED INTELLECTUAL DEVELOPMENT; RUBINSTEIN SYNDROME; CREBBP-Related Rubinstein-Taybi Syndrome. Identifiers: Orphanet 353277, Orphanet 783, MedGen C4551859, MONDO:0008393, OMIM 180849.

Submission:

3billion
Classification: Likely pathogenic for Rubinstein-Taybi syndrome due to CREBBP mutations. Last evaluated: 2022-05-22. Review status: criteria provided, single submitter. Criteria: ACMG Guidelines, 2015. Collection method: clinical testing. Allele origin: germline. Affected: yes. Observed: 1 heterozygote.
Comment: Canonical splice site: predicted to alter splicing and result in a loss or disruption of normal protein function. Multiple pathogenic loss-of-function variants are reported downstream of the variant. The variant is not observed in the gnomAD v2.1.1 dataset.Therefore, this variant is classified as likely pathogenic according to the recommendation of ACMG/AMP guideline.

NM_004380.3(CREBBP):c.3983-1G>C

Gene: CREBBP (CREB binding lysine acetyltransferase; minus strand). Cytogenetic location: 16p13.3.
Variant type: single nucleotide variant.
Coding change: c.3983-1G>C on transcript NM_004380.3 (MANE Select); the canonical splice acceptor site of the intron before coding-DNA position 3983, G replaced by C.
Molecular consequence: splice acceptor variant.
Genome position (GRCh38, 1-based): chr16:3,740,550, C>G on the plus strand (G>C on the coding strand, the complement: CREBBP is on the minus strand). VCF-style: chr16-3740550-C-G. GRCh37 (hg19) VCF-style: chr16-3790551-C-G.
Other names: c.3869-1G>C (NM_001079846.1).
Identifiers: ClinVar variation 1687250 (VCV001687250.1), dbSNP rs2151341377, ClinGen allele CA394565527.